The following is an entry in ClinVar:

NM_001323289.2(CDKL5):c.1925del (p.Leu642fs)

Gene: CDKL5 (cyclin dependent kinase like 5; plus strand). Cytogenetic location: Xp22.13.
Variant type: Deletion.
Coding change: c.1925del on transcript NM_001323289.2 (MANE Select); coding-DNA position 1925, one base deleted (T; older notation c.1925delT).
Protein change: p.Leu642fs; shifts the reading frame from leucine 642.
Molecular consequence: frameshift variant.
Genome position (GRCh38, 1-based): chrX:18,604,849, T deleted. VCF-style (leftmost placement, unchanged base first): chrX-18604848-CT-C. GRCh37 (hg19) VCF-style: chrX-18622968-CT-C.
Other names: NM_003159.3:c.1925del; c.1925del, p.Leu642fs (NM_001037343.2, NM_003159.3); short protein forms L642fs.
Identifiers: ClinVar variation 3344000 (VCV003344000.1).

ClinVar aggregate classification (germline): Pathogenic (1 of 4 stars; one submission).

Conditions:
CDKL5 disorder. Identifiers: MedGen CN296942, MONDO:0100039.

Submission:

Centre for Population Genomics, CPG
Classification: Pathogenic for CDKL5 disorder. Last evaluated: 2024-09-18. Review status: criteria provided, single submitter. Criteria: McKnight et al. (Hum Mutat. 2022). Collection method: curation. Allele origin: germline. Inheritance: X-linked inheritance.
Comment: This variant has been collected from RettBASE and curated to current modified ACMG/AMP criteria. Based on the classification scheme defined by the ClinGen Rett/Angelman-like Expert Panel for Rett/AS-like Disorders Specifications to the ACMG/AMP Variant Interpretation Guidelines VCEP 3.0, this variant is classified as pathogenic. At least the following criteria are met: Predicted to result in loss of function, and LOF is a known mechanism of disease (PVS1). This variant has been identified as a de novo occurrence in an individual with CDKL5 disorder without confirmation of paternity and maternity (PM6). This variant is absent from gnomAD v4 (PM2_Supporting).